The following is an entry in ClinVar:

NM_020843.4(SCAPER):c.473A>G (p.Glu158Gly)

Gene: SCAPER (S-phase cyclin A associated protein in the ER; minus strand). Cytogenetic location: 15q24.3.
Variant type: single nucleotide variant.
Coding change: c.473A>G on transcript NM_020843.4 (MANE Select); coding-DNA position 473, A replaced by G.
Protein change: p.Glu158Gly; replaces glutamic acid 158 with glycine.
Molecular consequence: missense variant. On other transcripts: 5 prime UTR variant (1), non-coding transcript variant (1).
Genome position (GRCh38, 1-based): chr15:76,804,554, T>C on the plus strand (A>G on the coding strand, the complement: SCAPER is on the minus strand). VCF-style: chr15-76804554-T-C. GRCh37 (hg19) VCF-style: chr15-77096895-T-C.
Other names: c.-425A>G (NM_001145923.2); c.473A>G, p.Glu158Gly (NM_001353009.2); c.71A>G, p.Glu24Gly (NM_001353010.2, NM_001353011.2, NM_001353012.2); short protein forms E158G, E24G.
Identifiers: ClinVar variation 5001767 (VCV005001767.1).

ClinVar aggregate classification (germline): Uncertain significance (1 of 4 stars; one submission).

Conditions:
SCAPER-related disorder. Also called: SCAPER-related condition.

Submission:

PreventionGenetics, part of Exact Sciences
Classification: Uncertain significance for SCAPER-related condition. Last evaluated: 2024-10-13. Review status: criteria provided, single submitter. Criteria: ACMG Guidelines, 2015. Collection method: clinical testing. Allele origin: germline.
Comment: The SCAPER c.473A>G variant is predicted to result in the amino acid substitution p.Glu158Gly. To our knowledge, this variant has not been reported in the literature or in a large population database (gnomAD), indicating this variant is rare. At this time, the clinical significance of this variant is uncertain due to the absence of conclusive functional and genetic evidence.